The following is an entry in ClinVar:

NM_001753.5(CAV1):c.352T>C (p.Tyr118His)

Gene: CAV1 (caveolin 1; plus strand). Cytogenetic location: 7q31.2.
Variant type: single nucleotide variant.
Coding change: c.352T>C on transcript NM_001753.5 (MANE Select); coding-DNA position 352, T replaced by C.
Protein change: p.Tyr118His; replaces tyrosine 118 with histidine.
Molecular consequence: missense variant.
Genome position (GRCh38, 1-based): chr7:116,559,102, T>C. VCF-style: chr7-116559102-T-C. GRCh37 (hg19) VCF-style: chr7-116199156-T-C.
Other names: c.259T>C, p.Tyr87His (NM_001172895.1, NM_001172896.2, NM_001172897.2); short protein forms Y87H, Y118H.
Identifiers: ClinVar variation 2895477 (VCV002895477.3), dbSNP rs758332584, ClinGen allele CA4447867.
Genomic context (GRCh38, chr7:116,559,102, plus strand): 5'-TGGTTTTACCGCTTGCTGTCTGCCCTCTTTGGCATCCCGATGGCACTCATCTGGGGCATT[T>C]ACTTCGCCATTCTCTCTTTCCTGCACATCTGGGCAGTTGTACCATGCATTAAGAGCTTCC-3'
Protein context (NP_001744.2, residues 108-128): GIPMALIWGI[Tyr118His]FAILSFLHIW

ClinVar aggregate classification (germline): Uncertain significance (1 of 4 stars; one submission).

Conditions:
Pulmonary hypertension, primary, 3. Identifiers: Orphanet 422, MedGen C3809192, MONDO:0014135, OMIM 615343.

Allele frequency attached by ClinVar (database versions not stated): gnomAD exomes below 0.00001; ExAC 0.00001.
gnomAD v4.1: 2 of 1,613,976 alleles (0.00012%); highest among the groups gnomAD compares: Non-Finnish European, 0.00017%; no homozygotes.

Submission:

Labcorp Genetics (formerly Invitae), Labcorp
Classification: Uncertain significance for Pulmonary hypertension, primary, 3. Last evaluated: 2024-10-28. Review status: criteria provided, single submitter. Criteria: Invitae Variant Classification Sherloc (09022015). Collection method: clinical testing. Allele origin: germline.
Comment: This sequence change replaces tyrosine, which is neutral and polar, with histidine, which is basic and polar, at codon 118 of the CAV1 protein (p.Tyr118His). This variant is present in population databases (rs758332584, gnomAD 0.002%). This variant has not been reported in the literature in individuals affected with CAV1-related conditions. An algorithm developed to predict the effect of missense changes on protein structure and function (PolyPhen-2) suggests that this variant is likely to be disruptive. In summary, the available evidence is currently insufficient to determine the role of this variant in disease. Therefore, it has been classified as a Variant of Uncertain Significance.